The following is an entry in ClinVar:

ClinVar aggregate classification (germline): Likely benign. Review status: criteria provided, multiple submitters, no conflicts (2 of 4 stars). 3 submissions from 3 submitters: Likely benign (3). Last evaluated 2024-05-01.

Conditions:
Hereditary cancer-predisposing syndrome. Also called: Neoplastic Syndromes, Hereditary; Hereditary Cancer Syndrome; Tumor predisposition; Hereditary neoplastic syndrome. Identifiers: Orphanet 140162, MedGen C0027672, MeSH D009386, MONDO:0015356.
Gastrointestinal stromal tumor. Also called: Gastrointestinal stromal tumor, somatic; Gastrointestinal stroma tumor. Identifiers: Orphanet 44890, MedGen C0238198, MeSH D046152, MONDO:0011719, OMIM 606764, HP:0100723.

gnomAD v4.1: 1 of 1,611,048 alleles (0.000062%); highest among the groups gnomAD compares: Non-Finnish European, 0.000085%; no homozygotes.

Submissions (3):

CeGaT Center for Human Genetics Tuebingen
Classification: Likely benign. Last evaluated: 2024-05-01. Review status: criteria provided, single submitter. Criteria: CeGaT Center For Human Genetics Tuebingen Variant Classification Criteria Version 2. Collection method: clinical testing. Allele origin: germline. Affected: yes. Observed: 1 variant allele.
Comment: PDGFRA: PM2:Supporting, BP4, BP7

Labcorp Genetics (formerly Invitae), Labcorp
Classification: Likely benign for Gastrointestinal stromal tumor. Last evaluated: 2023-11-13. Review status: criteria provided, single submitter. Criteria: Invitae Variant Classification Sherloc (09022015). Collection method: clinical testing. Allele origin: germline.

Ambry Genetics
Classification: Likely benign for Hereditary cancer-predisposing syndrome. Last evaluated: 2021-08-17. Review status: criteria provided, single submitter. Criteria: Ambry Variant Classification Scheme 2023. Collection method: clinical testing. Allele origin: germline.

NM_006206.6(PDGFRA):c.1149T>C (p.Arg383=)

Gene: PDGFRA (platelet derived growth factor receptor alpha; plus strand). Cytogenetic location: 4q12.
Variant type: single nucleotide variant.
Coding change: c.1149T>C on transcript NM_006206.6 (MANE Select); coding-DNA position 1149, T replaced by C.
Protein change: p.Arg383=; no amino-acid change (arginine 383 retained).
Molecular consequence: synonymous variant.
Genome position (GRCh38, 1-based): chr4:54,270,660, T>C. VCF-style: chr4-54270660-T-C. GRCh37 (hg19) VCF-style: chr4-55136827-T-C.
Other names: c.1149T>C, p.Arg383= (NM_001347827.2, NM_001347829.2); c.1224T>C, p.Arg408= (NM_001347828.2); c.1188T>C, p.Arg396= (NM_001347830.2).
Identifiers: ClinVar variation 528697 (VCV000528697.32), dbSNP rs1217827216, ClinGen allele CA439286831.